The following is an entry in ClinVar:

NM_001083961.2(WDR62):c.1768+14T>C

Gene: WDR62 (WD repeat domain 62; plus strand). Cytogenetic location: 19q13.12.
Variant type: single nucleotide variant.
Coding change: c.1768+14T>C on transcript NM_001083961.2 (MANE Select); 14 bases into the intron after coding-DNA position 1768, T replaced by C.
Molecular consequence: intron variant.
Genome position (GRCh38, 1-based): chr19:36,086,826, T>C. VCF-style: chr19-36086826-T-C. GRCh37 (hg19) VCF-style: chr19-36577728-T-C.
Other names: c.1768+14T>C (NM_173636.5).
Identifiers: ClinVar variation 1915720 (VCV001915720.7), dbSNP rs779745101, ClinGen allele CA9395709.

ClinVar aggregate classification (germline): Likely benign. Review status: criteria provided, multiple submitters, no conflicts (2 of 4 stars). 2 submissions from 2 submitters: Likely benign (2). Last evaluated 2026-04-01.

Allele frequency attached by ClinVar (database versions not stated): ExAC 0.00003; gnomAD exomes 0.00003; TOPMed 0.00003.
gnomAD v4.1: 37 of 1,608,144 alleles (0.0023%); highest among the groups gnomAD compares: Admixed American, 0.034%; no homozygotes.

Submissions (2):

CeGaT Center for Human Genetics Tuebingen
Classification: Likely benign. Last evaluated: 2026-04-01. Review status: criteria provided, single submitter. Criteria: CeGaT Center For Human Genetics Tuebingen Variant Classification Criteria Version 2. Collection method: clinical testing. Allele origin: germline. Affected: yes. Observed: 1 variant allele.
Comment: WDR62: BP4, BP7

Labcorp Genetics (formerly Invitae), Labcorp
Classification: Likely benign. Last evaluated: 2024-06-17. Review status: criteria provided, single submitter. Criteria: Invitae Variant Classification Sherloc (09022015). Collection method: clinical testing. Allele origin: germline.